The following is an entry in ClinVar:

ClinVar aggregate classification (germline): Uncertain significance (1 of 4 stars; one submission).

Allele frequency attached by ClinVar (database versions not stated): gnomAD exomes below 0.00001.

Submission:

GeneDx
Classification: Uncertain significance. Last evaluated: 2019-08-30. Review status: criteria provided, single submitter. Criteria: GeneDx Variant Classification Process June 2021. Collection method: clinical testing. Allele origin: germline. Affected: yes.
Comment: Not observed in large population cohorts (Lek et al., 2016); In silico analysis, which includes protein predictors and evolutionary conservation, supports a deleterious effect; Has not been previously published as pathogenic or benign to our knowledge

NM_017780.4(CHD7):c.5426T>C (p.Met1809Thr)

Gene: CHD7 (chromodomain helicase DNA binding protein 7; plus strand). Cytogenetic location: 8q12.2.
Variant type: single nucleotide variant.
Coding change: c.5426T>C on transcript NM_017780.4 (MANE Select); coding-DNA position 5426, T replaced by C.
Protein change: p.Met1809Thr; replaces methionine 1809 with threonine.
Molecular consequence: missense variant. On other transcripts: intron variant (1).
Genome position (GRCh38, 1-based): chr8:60,850,514, T>C. VCF-style: chr8-60850514-T-C. GRCh37 (hg19) VCF-style: chr8-61763073-T-C.
Other names: c.1717-11715T>C (NM_001316690.1); short protein forms M1809T.
Identifiers: ClinVar variation 1216441 (VCV001216441.3), dbSNP rs1554603550, ClinGen allele CA371321528.